The following is an entry in ClinVar:

ClinVar aggregate classification (germline): Conflicting classifications of pathogenicity. Review status: criteria provided, conflicting classifications (1 of 4 stars). 2 submissions from 2 submitters: Uncertain significance (1); Likely benign (1). Last evaluated 2025-02-04.

Conditions:
Primary ciliary dyskinesia. Also called: Ciliary dyskinesia. Identifiers: Orphanet 244, MedGen C0008780, MONDO:0016575, HP:0012265.

Allele frequency attached by ClinVar (database versions not stated): gnomAD 0.00057; TOPMed 0.00064; ESP Exome Variant Server 0.00069.
gnomAD v4.1: 173 of 1,613,860 alleles (0.011%); highest among the groups gnomAD compares: African/African-American, 0.22%; no homozygotes.

Submissions (2):

Labcorp Genetics (formerly Invitae), Labcorp
Classification: Likely benign for Primary ciliary dyskinesia. Last evaluated: 2025-02-04. Review status: criteria provided, single submitter. Criteria: Invitae Variant Classification Sherloc (09022015). Collection method: clinical testing. Allele origin: germline.

GeneDx
Classification: Uncertain significance. Last evaluated: 2023-06-22. Review status: criteria provided, single submitter. Criteria: GeneDx Variant Classification Process June 2021. Collection method: clinical testing. Allele origin: germline. Affected: yes.
Comment: In silico analysis supports that this missense variant has a deleterious effect on protein structure/function; Has not been previously published as pathogenic or benign to our knowledge

NM_001369.3(DNAH5):c.9410G>A (p.Cys3137Tyr)

Gene: DNAH5 (dynein axonemal heavy chain 5; minus strand). Cytogenetic location: 5p15.2.
Variant type: single nucleotide variant.
Coding change: c.9410G>A on transcript NM_001369.3 (MANE Select); coding-DNA position 9410, G replaced by A.
Protein change: p.Cys3137Tyr; replaces cysteine 3137 with tyrosine.
Molecular consequence: missense variant.
Genome position (GRCh38, 1-based): chr5:13,770,944, C>T on the plus strand (G>A on the coding strand, the complement: DNAH5 is on the minus strand). VCF-style: chr5-13770944-C-T. GRCh37 (hg19) VCF-style: chr5-13771053-C-T.
Other names: short protein forms C3137Y.
Identifiers: ClinVar variation 578741 (VCV000578741.13), dbSNP rs143357437, ClinGen allele CA3202548.